The following is an entry in ClinVar:

ClinVar aggregate classification (germline): Pathogenic. Review status: criteria provided, multiple submitters, no conflicts (2 of 4 stars). 2 submissions from 2 submitters: Pathogenic (2). Last evaluated 2024-06-07.

Conditions:
Mucopolysaccharidosis, MPS-II (MPS2). Also called: Mucopolysaccharidosis Type II; Mucopolysaccharidosis with skin involvement; Attenuated MPS (subtype; formerly known as mild MPS II); Severe MPS II; I2S deficiency; MPS 2. Identifiers: Orphanet 580, Orphanet 79388, MedGen C0026705, MONDO:0010674, OMIM 309900.

Submissions (2):

Laboratory of Diagnosis and Therapy of Lysosomal Disorders, University of Padova
Classification: Pathogenic for Mucopolysaccharidosis, MPS-II. Last evaluated: 2024-06-07. Review status: criteria provided, single submitter. Criteria: ACMG Guidelines, 2015. Collection method: literature only. Allele origin: germline. Affected: yes. Observed: 6 variant alleles.
Comment: Null variant (PVS1_VeryStrong), Prevalence of the variant significantly increased in affected individuals compared with controls (PS4_Supporting), Absent from controls (or at low frequency) in gnomAD database (PM2_Moderate), Patient’s phenotype or family history highly specific for the disease (PP4_Strong)

Classification method: ACMG Guidelines [PMID:25741868] with modifications

Labcorp Genetics (formerly Invitae), Labcorp
Classification: Pathogenic for Mucopolysaccharidosis, MPS-II. Last evaluated: 2024-01-12. Review status: criteria provided, single submitter. Criteria: Invitae Variant Classification Sherloc (09022015). Collection method: clinical testing. Allele origin: germline.
Comment: This sequence change creates a premature translational stop signal (p.Tyr234*) in the IDS gene. It is expected to result in an absent or disrupted protein product. Loss-of-function variants in IDS are known to be pathogenic (PMID: 8940265, 9875019). This variant is not present in population databases (gnomAD no frequency). This premature translational stop signal has been observed in individual(s) with mucopolysaccharidosis type II (PMID: 8830188). ClinVar contains an entry for this variant (Variation ID: 570827). For these reasons, this variant has been classified as Pathogenic.

Literature cited by the submitters: PubMed 33960103 (cited by Laboratory of Diagnosis and Therapy of Lysosomal Disorders, University of Padova); PubMed 8830188 (cited by Laboratory of Diagnosis and Therapy of Lysosomal Disorders, University of Padova and Labcorp Genetics (formerly Invitae), Labcorp); PubMed 9950361 (cited by Laboratory of Diagnosis and Therapy of Lysosomal Disorders, University of Padova); PubMed 30639582 (cited by Laboratory of Diagnosis and Therapy of Lysosomal Disorders, University of Padova); PubMed 36945845 (cited by Laboratory of Diagnosis and Therapy of Lysosomal Disorders, University of Padova); PubMed 8940265 (cited by Labcorp Genetics (formerly Invitae), Labcorp); PubMed 9875019 (cited by Labcorp Genetics (formerly Invitae), Labcorp).

NM_000202.8(IDS):c.702C>A (p.Tyr234Ter)

Genes: IDS (iduronate 2-sulfatase; minus strand), LOC106050102 (IDS recombination region; plus strand). Cytogenetic location: Xq28.
Variant type: single nucleotide variant.
Coding change: c.702C>A on transcript NM_000202.8 (MANE Select); coding-DNA position 702, C replaced by A.
Protein change: p.Tyr234Ter; replaces tyrosine 234 with a stop codon.
Molecular consequence: nonsense. On other transcripts: non-coding transcript variant (1).
Genome position (GRCh38, 1-based): chrX:149,498,113, G>T on the plus strand (C>A on the coding strand, the complement: IDS is on the minus strand). VCF-style: chrX-149498113-G-T. GRCh37 (hg19) VCF-style: chrX-148579644-G-T.
Other names: c.432C>A, p.Tyr144Ter (NM_001166550.4); c.702C>A, p.Tyr234Ter (NM_006123.5); short protein forms Y234*, Y144*.
Identifiers: ClinVar variation 570827 (VCV000570827.11), dbSNP rs1569560489, ClinGen allele CA414522138.